The following is an entry in ClinVar:

NM_000057.4(BLM):c.864del (p.Pro287_Cys288insTer)

Gene: BLM (BLM RecQ like helicase; plus strand). Cytogenetic location: 15q26.1.
Variant type: Deletion.
Coding change: c.864del on transcript NM_000057.4 (MANE Select); coding-DNA position 864, one base deleted (T; older notation c.864delT).
Protein change: p.Pro287_Cys288insTer.
Molecular consequence: nonsense. On other transcripts: 5 prime UTR variant (1).
Genome position (GRCh38, 1-based): chr15:90,751,851, T deleted. VCF-style (leftmost placement, unchanged base first): chr15-90751850-GT-G. GRCh37 (hg19) VCF-style: chr15-91295080-GT-G.
Other names: c.864del, p.Pro287_Cys288insTer (NM_001287246.2, NM_001287247.2); c.-428del (NM_001287248.2).
Identifiers: ClinVar variation 2034831 (VCV002034831.7), dbSNP rs2505399914, ClinGen allele CA2580090527.
Genomic context (GRCh38, chr15:90,751,850, plus strand): 5'-ATAGCGAAAAGAAGAAGAATTTGGAAGAAGCTGAATTACATTCAACTGAGAAAGTTCCAT[GT>G]ATTGAATTTGATGATGATGATTATGATACGGATTTTGTTCCACCTTCTCCAGAAGAAATT-3'

ClinVar aggregate classification (germline): Pathogenic/Likely pathogenic. Review status: criteria provided, multiple submitters, no conflicts (2 of 4 stars). 2 submissions from 2 submitters: Pathogenic (1); Likely pathogenic (1). Last evaluated 2022-10-08.

Conditions:
Bloom syndrome (BLM). Also called: Bloom-Torre-Machacek syndrome. Identifiers: Orphanet 125, MedGen C0005859, MONDO:0008876, OMIM 210900.

Submissions (2):

Labcorp Genetics (formerly Invitae), Labcorp
Classification: Pathogenic for Bloom syndrome. Last evaluated: 2022-10-08. Review status: criteria provided, single submitter. Criteria: Invitae Variant Classification Sherloc (09022015). Collection method: clinical testing. Allele origin: germline.
Comment: This variant is not present in population databases (gnomAD no frequency). For these reasons, this variant has been classified as Pathogenic. This variant has not been reported in the literature in individuals affected with BLM-related conditions. This sequence change creates a premature translational stop signal (p.Cys288*) in the BLM gene. It is expected to result in an absent or disrupted protein product. Loss-of-function variants in BLM are known to be pathogenic (PMID: 17407155).

Neuberg Centre For Genomic Medicine, NCGM
Classification: Likely pathogenic for Bloom syndrome. Review status: criteria provided, single submitter. Criteria: ACMG Guidelines, 2015. Collection method: clinical testing. Allele origin: germline. Inheritance: Autosomal recessive inheritance. Affected: yes.
Comment: The observed frameshift c.864del (p.Cys288Ter) variant in BLM gene has been submitted to the ClinVar database as Pathogenic. The p.Cys288Ter variant is absent in gnomAD Exomes. This sequence change creates a premature translational stop signal (p.Cys288Ter) in the BLM gene. This variant is predicted to cause loss of normal protein function through protein truncation. Loss of function variants in BLM gene have been previously reported to be disease causing (German et al., 2007). Additional functional studies will be required to prove the pathogenicity of this variant. For these reasons, this variant has been classified as Likely Pathogenic.

Literature cited by the submitters: PubMed 17407155 (cited by Labcorp Genetics (formerly Invitae), Labcorp).